The following is an entry in ClinVar:

NM_001105206.3(LAMA4):c.4582C>T (p.Arg1528Cys)

Gene: LAMA4 (laminin subunit alpha 4; minus strand). Cytogenetic location: 6q21.
Variant type: single nucleotide variant.
Coding change: c.4582C>T on transcript NM_001105206.3 (MANE Select); coding-DNA position 4582, C replaced by T.
Protein change: p.Arg1528Cys; replaces arginine 1528 with cysteine.
Molecular consequence: missense variant.
Genome position (GRCh38, 1-based): chr6:112,120,366, G>A on the plus strand (C>T on the coding strand, the complement: LAMA4 is on the minus strand). VCF-style: chr6-112120366-G-A. GRCh37 (hg19) VCF-style: chr6-112441569-G-A.
Other names: c.4561C>T, p.Arg1521Cys (NM_001105207.3, NM_002290.5); short protein forms R1521C, R1528C.
Identifiers: ClinVar variation 1741497 (VCV001741497.9), dbSNP rs782444195, ClinGen allele CA3964956.
Genomic context (GRCh38, chr6:112,120,366, plus strand): 5'-ATTTCTCCTGGCTTCTAATCTTCAGTTTTTTGTGACCAACATTAAACATGTAAACCAAGC[G>A]GCCATGGGCCAAAAATAGAGTCATGAAGTCATTCTCTTCTTGATCTGAGACATAGAAGAT-3'
Protein context (NP_001098676.2, residues 1518-1538): DFMTLFLAHG[Arg1528Cys]LVYMFNVGHK

ClinVar aggregate classification (germline): Uncertain significance. Review status: criteria provided, multiple submitters, no conflicts (2 of 4 stars). 3 submissions from 3 submitters: Uncertain significance (3). Last evaluated 2025-06-29.

Conditions:
Cardiovascular phenotype. Identifiers: MedGen CN230736.
Dilated cardiomyopathy 1JJ (CMD1JJ). Identifiers: Orphanet 154, MedGen C3808935, MONDO:0014095, OMIM 615235.

Allele frequency attached by ClinVar (database versions not stated): gnomAD 0.00002; gnomAD exomes 0.00002; ExAC 0.00003; TOPMed 0.00004.
gnomAD v4.1: 38 of 1,613,920 alleles (0.0024%); highest among the groups gnomAD compares: Middle Eastern, 0.017%; no homozygotes.

Submissions (3):

Labcorp Genetics (formerly Invitae), Labcorp
Classification: Uncertain significance for Dilated cardiomyopathy 1JJ. Last evaluated: 2025-06-29. Review status: criteria provided, single submitter. Criteria: Invitae Variant Classification Sherloc (09022015). Collection method: clinical testing. Allele origin: germline.
Comment: This sequence change replaces arginine, which is basic and polar, with cysteine, which is neutral and slightly polar, at codon 1521 of the LAMA4 protein (p.Arg1521Cys). This variant is present in population databases (rs782444195, gnomAD 0.02%). This variant has not been reported in the literature in individuals affected with LAMA4-related conditions. ClinVar contains an entry for this variant (Variation ID: 1741497). Invitae Evidence Modeling of protein sequence and biophysical properties (such as structural, functional, and spatial information, amino acid conservation, physicochemical variation, residue mobility, and thermodynamic stability) indicates that this missense variant is expected to disrupt LAMA4 protein function with a positive predictive value of 80%. In summary, the available evidence is currently insufficient to determine the role of this variant in disease. Therefore, it has been classified as a Variant of Uncertain Significance.

Ambry Genetics
Classification: Uncertain significance for Cardiovascular phenotype. Last evaluated: 2024-02-13. Review status: criteria provided, single submitter. Criteria: Ambry Variant Classification Scheme 2023. Collection method: clinical testing. Allele origin: germline.

GeneDx
Classification: Uncertain significance. Last evaluated: 2022-09-26. Review status: criteria provided, single submitter. Criteria: GeneDx Variant Classification Process June 2021. Collection method: clinical testing. Allele origin: germline. Affected: yes.
Comment: In silico analysis supports that this missense variant has a deleterious effect on protein structure/function; Has not been previously published as pathogenic or benign to our knowledge